The following is an entry in ClinVar:

ClinVar aggregate classification (germline): Uncertain significance. Review status: criteria provided, multiple submitters, no conflicts (2 of 4 stars). 2 submissions from 2 submitters: Uncertain significance (2). Last evaluated 2025-12-03.

Conditions:
Inborn genetic diseases. Identifiers: MedGen C0950123, MeSH D030342.

Allele frequency attached by ClinVar (database versions not stated): TOPMed 0.00005; ESP Exome Variant Server 0.00009.
gnomAD v4.1: 68 of 1,600,446 alleles (0.0042%); highest among the groups gnomAD compares: Non-Finnish European, 0.0051%; no homozygotes.

Submissions (2):

Labcorp Genetics (formerly Invitae), Labcorp
Classification: Uncertain significance. Last evaluated: 2025-12-03. Review status: criteria provided, single submitter. Criteria: Invitae Variant Classification Sherloc (09022015). Collection method: clinical testing. Allele origin: germline.
Comment: This sequence change replaces arginine, which is basic and polar, with cysteine, which is neutral and slightly polar, at codon 3255 of the SPEG protein (p.Arg3255Cys). This variant is present in population databases (rs375248712, gnomAD 0.007%). This variant has not been reported in the literature in individuals affected with SPEG-related conditions. ClinVar contains an entry for this variant (Variation ID: 2188058). An algorithm developed to predict the effect of missense changes on protein structure and function (PolyPhen-2) suggests that this variant is likely to be disruptive. In summary, the available evidence is currently insufficient to determine the role of this variant in disease. Therefore, it has been classified as a Variant of Uncertain Significance.

Ambry Genetics
Classification: Uncertain significance for Inborn genetic diseases. Last evaluated: 2025-11-20. Review status: criteria provided, single submitter. Criteria: Ambry Variant Classification Scheme 2023. Collection method: clinical testing. Allele origin: germline.

NM_005876.5(SPEG):c.9763C>T (p.Arg3255Cys)

Genes: ASIC4-AS1 (ASIC4 antisense RNA 1; minus strand), SPEG (striated muscle enriched protein kinase; plus strand). Cytogenetic location: 2q35.
Variant type: single nucleotide variant.
Coding change: c.9763C>T on transcript NM_005876.5 (MANE Select); coding-DNA position 9763, C replaced by T.
Protein change: p.Arg3255Cys; replaces arginine 3255 with cysteine.
Molecular consequence: missense variant.
Genome position (GRCh38, 1-based): chr2:219,492,745, C>T. VCF-style: chr2-219492745-C-T. GRCh37 (hg19) VCF-style: chr2-220357467-C-T.
Other names: c.9763C>T (NM_005876.4); short protein forms R3255C.
Identifiers: ClinVar variation 2188058 (VCV002188058.4), dbSNP rs375248712, ClinGen allele CA2127870.
Genomic context (GRCh38, chr2:219,492,745, plus strand): 5'-ACCAACCGGCTCAAGGAGTTCCTGGGCGAGCAGCGGCGGCGCCGGGCTGAGGCTGCCACC[C>T]GCCACAAGGTGCTGCTGCGCTCCTACCCTGGCGGCCCCTAGAGGCACGGACCACAGCCAG-3'
Protein context (NP_005867.3, residues 3245-3265): QRRRRAEAAT[Arg3255Cys]HKVLLRSYPG